The following is an entry in ClinVar:

ClinVar aggregate classification (germline): Likely pathogenic (1 of 4 stars; one submission).

Conditions:
Maturity-onset diabetes of the young type 1. Also called: MILD JUVENILE DIABETES MELLITUS; MODY, type I; MODY type 1; Diabetes mellitus MODY type 1; MODY HNF4A related; HNF4A-Related Maturity-Onset Diabetes of the Young Type 1. Identifiers: Orphanet 552, MedGen C1852093, MONDO:0007452, OMIM 125850. Disease mechanism: loss of function.

Submission:

Genetics and Molecular Pathology, SA Pathology
Classification: Likely pathogenic for Maturity-onset diabetes of the young type 1. Last evaluated: 2022-07-01. Review status: criteria provided, single submitter. Criteria: ACMG Guidelines, 2015. Collection method: clinical testing. Allele origin: germline. Inheritance: Autosomal dominant inheritance. Affected: yes.
Comment: The HNF4A c.893-1G>A variant is classified as LIKELY PATHOGENIC (PVS1, PM2) The HNF4A c.893-1G>A variant is located at the splice acceptor site. Computational predictions support a deleterious effect on splicing (PVS1). This variant is absent from population databases (PM2). This variant has not been reported in dbSNP, ClinVar or HGMD.

NM_175914.5(HNF4A):c.827-1G>A

Gene: HNF4A (hepatocyte nuclear factor 4 alpha; plus strand). Cytogenetic location: 20q13.12.
Variant type: single nucleotide variant.
Coding change: c.827-1G>A on transcript NM_175914.5 (MANE Select); the canonical splice acceptor site of the intron before coding-DNA position 827, G replaced by A.
Molecular consequence: splice acceptor variant.
Genome position (GRCh38, 1-based): chr20:44,424,017, G>A. VCF-style: chr20-44424017-G-A. GRCh37 (hg19) VCF-style: chr20-43052657-G-A.
Other names: c.818-1G>A (NM_001287182.2, NM_001287183.2, NM_001287184.2); c.827-1G>A (NM_001030003.3, NM_001030004.3); c.872-1G>A (NM_001258355.2); c.893-1G>A (NM_178849.3, NM_000457.6, NM_178850.3).
Identifiers: ClinVar variation 1698809 (VCV001698809.2), dbSNP rs2146467548, ClinGen allele CA409107982.
Genomic context (GRCh38, chr20:44,424,017, plus strand): 5'-ACTCCCCAGATGCTCCAGCTGGACCCTGCTGCCCTCCCTTGCCCACCCTCTTCCATTGTA[G>A]ATGCCAAGGGGCTGAGCGATCCAGGGAAGATCAAGCGGCTGCGTTCCCAGGTGCAGGTGA-3'